The following is an entry in ClinVar:

ClinVar aggregate classification (germline): Uncertain significance (1 of 4 stars; one submission).

Allele frequency attached by ClinVar (database versions not stated): TOPMed 0.00002.

Submission:

CeGaT Center for Human Genetics Tuebingen
Classification: Uncertain significance. Last evaluated: 2022-10-01. Review status: criteria provided, single submitter. Criteria: CeGaT Center For Human Genetics Tuebingen Variant Classification Criteria Version 2. Collection method: clinical testing. Allele origin: germline. Affected: yes. Observed: 1 variant allele.
Comment: GNAS: PM2

NM_080425.4(GNAS):c.2069-5515A>C

Gene: GNAS (GNAS complex locus; plus strand). Cytogenetic location: 20q13.32.
Variant type: single nucleotide variant.
Coding change: c.2069-5515A>C on transcript NM_080425.4 (MANE Plus Clinical); 5515 bases into the intron before coding-DNA position 2069, A replaced by C.
Molecular consequence: intron variant.
Genome position (GRCh38, 1-based): chr20:58,890,097, A>C. VCF-style: chr20-58890097-A-C. GRCh37 (hg19) VCF-style: chr20-57465152-A-C.
Other names: c.*43-5515A>C (NM_016592.5); c.44-5515A>C (NM_001410912.1); c.-38-5515A>C (NM_001309861.2); c.*1-5515A>C (NM_001077490.3); c.2069-5515A>C (NM_001410913.1); c.*159-5515A>C (NM_001309883.1); c.-39+744A>C (NM_001438273.1, NM_001309840.2); c.-39+765A>C (NM_001439291.1, NM_001438274.1).
Identifiers: ClinVar variation 2652441 (VCV002652441.22), dbSNP rs2088998901, ClinGen allele CA2372517704.